The following is an entry in ClinVar:

ClinVar aggregate classification (germline): Conflicting classifications of pathogenicity. Review status: criteria provided, conflicting classifications (1 of 4 stars). 6 submissions from 6 submitters: Uncertain significance (4); Likely benign (2). Last evaluated 2025-08-27.

Conditions:
Epidermolysis bullosa simplex with nail dystrophy (EBS5D). Identifiers: MedGen C4225309, MONDO:0014661, OMIM 616487.
Epidermolysis bullosa simplex 5B, with muscular dystrophy (EBS5B). Also called: Epidermolysis bullosa simplex with muscular dystrophy; EPIDERMOLYSIS BULLOSA SIMPLEX AND LIMB-GIRDLE MUSCULAR DYSTROPHY. Identifiers: Orphanet 257, MedGen C2931072, MONDO:0009181, OMIM 226670.
Autosomal recessive limb-girdle muscular dystrophy type 2Q (LGMDR17). Also called: MUSCULAR DYSTROPHY, LIMB-GIRDLE, AUTOSOMAL RECESSIVE 17. Identifiers: Orphanet 254361, MedGen C3150989, MONDO:0013390, OMIM 613723.
Epidermolysis bullosa simplex 5C, with pyloric atresia (EBS5C). Also called: PLEC1-Related Epidermolysis Bullosa with Pyloric Atresia; PLEC-Related Epidermolysis Bullosa with Pyloric Atresia; Epidermolysis bullosa simplex with pyloric atresia. Identifiers: Orphanet 158684, MedGen C2677349, MONDO:0012807, OMIM 612138.
Epidermolysis bullosa simplex, Ogna type (EBS5A). Also called: EPIDERMOLYSIS BULLOSA SIMPLEX 5A, OGNA TYPE; Pidermolysis bullosa simplex 5A, Ogna type. Identifiers: Orphanet 79401, MedGen C0432317, MONDO:0007555, OMIM 131950.
Inborn genetic diseases. Identifiers: MedGen C0950123, MeSH D030342.

Allele frequency attached by ClinVar (database versions not stated): TOPMed 0.00012; ESP Exome Variant Server 0.00016; gnomAD 0.00017 and 0.00018.
gnomAD v4.1: 227 of 1,612,850 alleles (0.014%); highest among the groups gnomAD compares: Middle Eastern, 0.099%; no homozygotes.

Submissions (6):

Ambry Genetics
Classification: Uncertain significance for Inborn genetic diseases. Last evaluated: 2025-08-27. Review status: criteria provided, single submitter. Criteria: Ambry Variant Classification Scheme 2023. Collection method: clinical testing. Allele origin: germline.

Labcorp Genetics (formerly Invitae), Labcorp
Classification: Uncertain significance for Autosomal recessive limb-girdle muscular dystrophy type 2Q; Epidermolysis bullosa simplex, Ogna type; Epidermolysis bullosa simplex with nail dystrophy; Epidermolysis bullosa simplex 5C, with pyloric atresia; Epidermolysis bullosa simplex 5B, with muscular dystrophy. Last evaluated: 2024-12-19. Review status: criteria provided, single submitter. Criteria: Invitae Variant Classification Sherloc (09022015). Collection method: clinical testing. Allele origin: germline.
Comment: This sequence change replaces lysine, which is basic and polar, with asparagine, which is neutral and polar, at codon 2488 of the PLEC protein (p.Lys2488Asn). This variant is present in population databases (rs371673069, gnomAD 0.02%). This variant has not been reported in the literature in individuals affected with PLEC-related conditions. ClinVar contains an entry for this variant (Variation ID: 196751). An algorithm developed to predict the effect of missense changes on protein structure and function (PolyPhen-2) suggests that this variant is likely to be disruptive. In summary, the available evidence is currently insufficient to determine the role of this variant in disease. Therefore, it has been classified as a Variant of Uncertain Significance.

Blueprint Genetics
Classification: Likely benign. Last evaluated: 2024-09-18. Review status: criteria provided, single submitter. Criteria: ACMG Guidelines, 2015. Collection method: clinical testing. Allele origin: germline.

Revvity Omics, Revvity
Classification: Uncertain significance. Last evaluated: 2022-06-10. Review status: criteria provided, single submitter. Criteria: ACMG Guidelines, 2015. Collection method: clinical testing. Allele origin: germline.

GeneDx
Classification: Likely benign. Last evaluated: 2020-12-17. Review status: criteria provided, single submitter. Criteria: GeneDx Variant Classification Process June 2021. Collection method: clinical testing. Allele origin: germline. Affected: yes.

Eurofins Ntd Llc (ga)
Classification: Uncertain significance. Last evaluated: 2014-11-23. Review status: criteria provided, single submitter. Criteria: EGL Classification Definitions 2015. Collection method: clinical testing. Allele origin: germline. Observed: 1 variant allele, 1 heterozygote.

NM_201384.3(PLEC):c.7383G>T (p.Lys2461Asn)

Gene: PLEC (plectin; minus strand). Cytogenetic location: 8q24.3.
Variant type: single nucleotide variant.
Coding change: c.7383G>T on transcript NM_201384.3 (MANE Select); coding-DNA position 7383, G replaced by T.
Protein change: p.Lys2461Asn; replaces lysine 2461 with asparagine.
Molecular consequence: missense variant.
Genome position (GRCh38, 1-based): chr8:143,922,546, C>A on the plus strand (G>T on the coding strand, the complement: PLEC is on the minus strand). VCF-style: chr8-143922546-C-A. GRCh37 (hg19) VCF-style: chr8-144996714-C-A.
Other names: c.7464G>T, p.Lys2488Asn (NM_000445.5); c.7341G>T, p.Lys2447Asn (NM_201378.4); c.7317G>T, p.Lys2439Asn (NM_201379.3); c.7794G>T, p.Lys2598Asn (NM_201380.4); c.7287G>T, p.Lys2429Asn (NM_201381.3); c.7383G>T, p.Lys2461Asn (NM_201382.4); c.7395G>T, p.Lys2465Asn (NM_201383.3); short protein forms K2429N, K2439N, K2447N, K2461N, K2465N, K2488N, K2598N.
Identifiers: ClinVar variation 196751 (VCV000196751.20), dbSNP rs371673069, ClinGen allele CA243993.